The following is an entry in ClinVar:

NM_000812.4(GABRB1):c.448C>A (p.Leu150Ile)

Gene: GABRB1 (gamma-aminobutyric acid type A receptor subunit beta1; plus strand). Cytogenetic location: 4p12.
Variant type: single nucleotide variant.
Coding change: c.448C>A on transcript NM_000812.4 (MANE Select); coding-DNA position 448, C replaced by A.
Protein change: p.Leu150Ile; replaces leucine 150 with isoleucine.
Molecular consequence: missense variant.
Genome position (GRCh38, 1-based): chr4:47,161,456, C>A. VCF-style: chr4-47161456-C-A. GRCh37 (hg19) VCF-style: chr4-47163473-C-A.
Other names: short protein forms L150I.
Identifiers: ClinVar variation 4880983 (VCV004880983.2).

ClinVar aggregate classification (germline): Uncertain significance (1 of 4 stars; one submission).

Submission:

Dasa
Classification: Uncertain significance. Last evaluated: 2026-04-20. Review status: criteria provided, single submitter. Criteria: DASA Assertion Criteria. Collection method: clinical testing. Allele origin: germline.
Comment: NM_000812.4(GABRB1):c.448C>A (p.Leu150Ile) is a missense variant that results in the substitution of leucine with isoleucine. This variant is rare in population databases. The currently available literature and clinical evidence are not sufficient to establish a definitive association between this variant and the reported condition. Therefore, this variant is classified as a variant of uncertain significance.